The following is an entry in ClinVar:

ClinVar aggregate classification (germline): Uncertain significance (1 of 4 stars; one submission).

Allele frequency attached by ClinVar (database versions not stated): gnomAD 0.00001; gnomAD exomes 0.00001; TOPMed 0.00001.
gnomAD v4.1: 15 of 1,607,316 alleles (0.00093%); highest among the groups gnomAD compares: African/African-American, 0.0013%; no homozygotes.

Submission:

Labcorp Genetics (formerly Invitae), Labcorp
Classification: Uncertain significance. Last evaluated: 2022-06-02. Review status: criteria provided, single submitter. Criteria: Invitae Variant Classification Sherloc (09022015). Collection method: clinical testing. Allele origin: germline.
Comment: This variant is not present in population databases (gnomAD no frequency). This sequence change falls in intron 11 of the PRPF6 gene. It does not directly change the encoded amino acid sequence of the PRPF6 protein. This variant has not been reported in the literature in individuals affected with PRPF6-related conditions. In summary, the available evidence is currently insufficient to determine the role of this variant in disease. Therefore, it has been classified as a Variant of Uncertain Significance. Algorithms developed to predict the effect of sequence changes on RNA splicing suggest that this variant may disrupt the consensus splice site.

NM_012469.4(PRPF6):c.1524+13C>T

Genes: PRPF6 (pre-mRNA processing factor 6; plus strand), LOC126863089 (BRD4-independent group 4 enhancer GRCh37_chr20:62642795-62643994; plus strand). Cytogenetic location: 20q13.33.
Variant type: single nucleotide variant.
Coding change: c.1524+13C>T on transcript NM_012469.4 (MANE Select); 13 bases into the intron after coding-DNA position 1524, C replaced by T.
Molecular consequence: intron variant.
Genome position (GRCh38, 1-based): chr20:64,011,516, C>T. VCF-style: chr20-64011516-C-T. GRCh37 (hg19) VCF-style: chr20-62642869-C-T.
Identifiers: ClinVar variation 2118625 (VCV002118625.4), dbSNP rs1017396831, ClinGen allele CA317538250.
Genomic context (GRCh38, chr20:64,011,516, plus strand): 5'-TCGCTGCGGGCCAACGGTGTGGAGATCAACCGTGAGCAGTGGATCCAGGTGGGCCGCAGG[C>T]GGGTGTCGTGGTGTCTGCTTTAACAGTGCACATGCAGCACGTGAGAGTCCCACGCAGGAC-3'